The following is an entry in ClinVar:

NM_014915.3(ANKRD26):c.124G>C (p.Val42Leu)

Genes: ANKRD26 (ankyrin repeat domain containing 26; minus strand), LOC130003554 (ATAC-STARR-seq lymphoblastoid silent region 2243; plus strand). Cytogenetic location: 10p12.1.
Variant type: single nucleotide variant.
Coding change: c.124G>C on transcript NM_014915.3 (MANE Select); coding-DNA position 124, G replaced by C.
Protein change: p.Val42Leu; replaces valine 42 with leucine.
Molecular consequence: missense variant.
Genome position (GRCh38, 1-based): chr10:27,100,203, C>G on the plus strand (G>C on the coding strand, the complement: ANKRD26 is on the minus strand). VCF-style: chr10-27100203-C-G. GRCh37 (hg19) VCF-style: chr10-27389132-C-G.
Other names: c.124G>C, p.Val42Leu (NM_001256053.2); short protein forms V42L.
Identifiers: ClinVar variation 3912292 (VCV003912292.1).

ClinVar aggregate classification (germline): Uncertain significance (1 of 4 stars; one submission).

Conditions:
Inborn genetic diseases. Identifiers: MedGen C0950123, MeSH D030342.

Submission:

Ambry Genetics
Classification: Uncertain significance for Inborn genetic diseases. Last evaluated: 2025-05-10. Review status: criteria provided, single submitter. Criteria: Ambry Variant Classification Scheme 2023. Collection method: clinical testing. Allele origin: germline.
Comment: The p.V42L variant (also known as c.124G>C), located in coding exon 1 of the ANKRD26 gene, results from a G to C substitution at nucleotide position 124. The valine at codon 42 is replaced by leucine, an amino acid with highly similar properties. This amino acid position is conserved. In addition, this alteration is predicted to be tolerated by in silico analysis. Based on the available evidence, the clinical significance of this variant remains unclear.